The following is an entry in ClinVar:

NM_004924.6(ACTN4):c.2231C>T (p.Ala744Val)

Gene: ACTN4 (actinin alpha 4; plus strand). Cytogenetic location: 19q13.2.
Variant type: single nucleotide variant.
Coding change: c.2231C>T on transcript NM_004924.6 (MANE Select); coding-DNA position 2231, C replaced by T.
Protein change: p.Ala744Val; replaces alanine 744 with valine.
Molecular consequence: missense variant.
Genome position (GRCh38, 1-based): chr19:38,726,997, C>T. VCF-style: chr19-38726997-C-T. GRCh37 (hg19) VCF-style: chr19-39217637-C-T.
Other names: c.2231C>T, p.Ala744Val (NM_001322033.2, NM_001411143.1); short protein forms A744V.
Identifiers: ClinVar variation 3698623 (VCV003698623.2).

ClinVar aggregate classification (germline): Uncertain significance (1 of 4 stars; one submission).

gnomAD v4.1: 17 of 1,614,112 alleles (0.0011%); highest among the groups gnomAD compares: Non-Finnish European, 0.0014%; no homozygotes.

Submission:

Labcorp Genetics (formerly Invitae), Labcorp
Classification: Uncertain significance. Last evaluated: 2024-08-22. Review status: criteria provided, single submitter. Criteria: Invitae Variant Classification Sherloc (09022015). Collection method: clinical testing. Allele origin: germline.
Comment: This sequence change replaces alanine, which is neutral and non-polar, with valine, which is neutral and non-polar, at codon 744 of the ACTN4 protein (p.Ala744Val). This variant is present in population databases (rs758371545, gnomAD 0.0009%). This variant has not been reported in the literature in individuals affected with ACTN4-related conditions. Invitae Evidence Modeling of protein sequence and biophysical properties (such as structural, functional, and spatial information, amino acid conservation, physicochemical variation, residue mobility, and thermodynamic stability) indicates that this missense variant is not expected to disrupt ACTN4 protein function with a negative predictive value of 80%. In summary, the available evidence is currently insufficient to determine the role of this variant in disease. Therefore, it has been classified as a Variant of Uncertain Significance.